The following is an entry in ClinVar:

ClinVar aggregate classification (germline): Conflicting classifications of pathogenicity. Review status: criteria provided, conflicting classifications (1 of 4 stars). 2 submissions from 2 submitters: Uncertain significance (1); Likely benign (1). Last evaluated 2024-10-15.

Conditions:
Inborn genetic diseases. Identifiers: MedGen C0950123, MeSH D030342.

Allele frequency attached by ClinVar (database versions not stated): gnomAD exomes 0.00006 and 0.00014; gnomAD 0.00007; TOPMed 0.00009; ExAC 0.00011; 1000 Genomes Project 0.00020; ESP Exome Variant Server 0.00023; 1000 Genomes Project 30x 0.00031.
gnomAD v4.1: 100 of 1,612,902 alleles (0.0062%); highest among the groups gnomAD compares: Admixed American, 0.022%; no homozygotes.

Submissions (2):

Labcorp Genetics (formerly Invitae), Labcorp
Classification: Uncertain significance. Last evaluated: 2024-10-15. Review status: criteria provided, single submitter. Criteria: Invitae Variant Classification Sherloc (09022015). Collection method: clinical testing. Allele origin: germline.
Comment: This sequence change replaces arginine, which is basic and polar, with histidine, which is basic and polar, at codon 373 of the TONSL protein (p.Arg373His). This variant is present in population databases (rs145900712, gnomAD 0.04%). This variant has not been reported in the literature in individuals affected with TONSL-related conditions. ClinVar contains an entry for this variant (Variation ID: 1434780). Invitae Evidence Modeling of protein sequence and biophysical properties (such as structural, functional, and spatial information, amino acid conservation, physicochemical variation, residue mobility, and thermodynamic stability) indicates that this missense variant is not expected to disrupt TONSL protein function with a negative predictive value of 80%. In summary, the available evidence is currently insufficient to determine the role of this variant in disease. Therefore, it has been classified as a Variant of Uncertain Significance.

Ambry Genetics
Classification: Likely benign for Inborn genetic diseases. Last evaluated: 2021-09-01. Review status: criteria provided, single submitter. Criteria: Ambry Variant Classification Scheme 2023. Collection method: clinical testing. Allele origin: germline.

NM_013432.5(TONSL):c.1118G>A (p.Arg373His)

Gene: TONSL (tonsoku like, DNA repair protein; minus strand). Cytogenetic location: 8q24.3.
Variant type: single nucleotide variant.
Coding change: c.1118G>A on transcript NM_013432.5 (MANE Select); coding-DNA position 1118, G replaced by A.
Protein change: p.Arg373His; replaces arginine 373 with histidine.
Molecular consequence: missense variant.
Genome position (GRCh38, 1-based): chr8:144,440,764, C>T on the plus strand (G>A on the coding strand, the complement: TONSL is on the minus strand). VCF-style: chr8-144440764-C-T. GRCh37 (hg19) VCF-style: chr8-145666147-C-T.
Other names: c.1118G>A (NM_013432.4); short protein forms R373H.
Identifiers: ClinVar variation 1434780 (VCV001434780.5), dbSNP rs145900712, ClinGen allele CA4943386.